The following is an entry in ClinVar:

ClinVar aggregate classification (germline): Uncertain significance (1 of 4 stars; one submission).

Conditions:
Gastrointestinal stromal tumor. Also called: Gastrointestinal stromal tumor, somatic; Gastrointestinal stroma tumor. Identifiers: Orphanet 44890, MedGen C0238198, MeSH D046152, MONDO:0011719, OMIM 606764, HP:0100723.

Allele frequency attached by ClinVar (database versions not stated): gnomAD exomes below 0.00001.
gnomAD v4.1: 1 of 1,612,384 alleles (0.000062%); highest among the groups gnomAD compares: South Asian, 0.0011%; no homozygotes.

Submission:

Labcorp Genetics (formerly Invitae), Labcorp
Classification: Uncertain significance for Gastrointestinal stromal tumor. Last evaluated: 2022-02-20. Review status: criteria provided, single submitter. Criteria: Invitae Variant Classification Sherloc (09022015). Collection method: clinical testing. Allele origin: germline.
Comment: ClinVar contains an entry for this variant (Variation ID: 641077). In summary, the available evidence is currently insufficient to determine the role of this variant in disease. Therefore, it has been classified as a Variant of Uncertain Significance. Algorithms developed to predict the effect of sequence changes on RNA splicing suggest that this variant may create or strengthen a splice site. Algorithms developed to predict the effect of missense changes on protein structure and function are either unavailable or do not agree on the potential impact of this missense change (SIFT: "Deleterious"; PolyPhen-2: "Possibly Damaging"; Align-GVGD: "Class C0"). This variant has not been reported in the literature in individuals affected with PDGFRA-related conditions. This variant is present in population databases (no rsID available, gnomAD 0.003%). This sequence change replaces lysine, which is basic and polar, with asparagine, which is neutral and polar, at codon 971 of the PDGFRA protein (p.Lys971Asn).

NM_006206.6(PDGFRA):c.2913G>T (p.Lys971Asn)

Gene: PDGFRA (platelet derived growth factor receptor alpha; plus strand). Cytogenetic location: 4q12.
Variant type: single nucleotide variant.
Coding change: c.2913G>T on transcript NM_006206.6 (MANE Select); coding-DNA position 2913, G replaced by T.
Protein change: p.Lys971Asn; replaces lysine 971 with asparagine.
Molecular consequence: missense variant.
Genome position (GRCh38, 1-based): chr4:54,290,345, G>T. VCF-style: chr4-54290345-G-T. GRCh37 (hg19) VCF-style: chr4-55156512-G-T.
Other names: c.2988G>T, p.Lys996Asn (NM_001347828.2); c.2913G>T, p.Lys971Asn (NM_001347829.2); c.2952G>T, p.Lys984Asn (NM_001347830.2); short protein forms K996N, K971N, K984N.
Identifiers: ClinVar variation 641077 (VCV000641077.9), dbSNP rs1388812728, ClinGen allele CA356895978.
Genomic context (GRCh38, chr4:54,290,345, plus strand): 5'-ATTAAATATGTTCAATGAATGTTTATAGAGTTATGAAAAAATTCACCTGGACTTCCTGAA[G>T]AGTGACCATCCTGCTGTGGCACGCATGCGTGTGGACTCAGACAATGCATACATTGGTGTC-3'
Protein context (NP_006197.1, residues 961-981): SYEKIHLDFL[Lys971Asn]SDHPAVARMR